The following is an entry in ClinVar:

ClinVar aggregate classification (germline): Uncertain significance (1 of 4 stars; one submission).

gnomAD v4.1: 55 of 1,614,042 alleles (0.0034%); highest among the groups gnomAD compares: Non-Finnish European, 0.0044%; no homozygotes.

Submission:

CeGaT Center for Human Genetics Tuebingen
Classification: Uncertain significance. Last evaluated: 2024-11-01. Review status: criteria provided, single submitter. Criteria: CeGaT Center For Human Genetics Tuebingen Variant Classification Criteria Version 2. Collection method: clinical testing. Allele origin: germline. Affected: yes. Observed: 1 variant allele.
Comment: RYR1: PM2, PP3

NM_000540.3(RYR1):c.12350A>T (p.Asp4117Val)

Gene: RYR1 (ryanodine receptor 1; plus strand). Cytogenetic location: 19q13.2.
Variant type: single nucleotide variant.
Coding change: c.12350A>T on transcript NM_000540.3 (MANE Select); coding-DNA position 12350, A replaced by T.
Protein change: p.Asp4117Val; replaces aspartic acid 4117 with valine.
Molecular consequence: missense variant.
Genome position (GRCh38, 1-based): chr19:38,561,180, A>T. VCF-style: chr19-38561180-A-T. GRCh37 (hg19) VCF-style: chr19-39051820-A-T.
Other names: c.12335A>T, p.Asp4112Val (NM_001042723.2); short protein forms D4112V, D4117V.
Identifiers: ClinVar variation 3388552 (VCV003388552.14).
Genomic context (GRCh38, chr19:38,561,180, plus strand): 5'-ACAGCCAGAAGCAGTTCAGCGGTCCAGAAATCCAGTTCCTGCTTTCGTGCTCCGAAGCGG[A>T]TGAGAACGAAATGATCAACTGCGAAGAGTTCGCCAACCGCTTCCAGGAGCCAGCACGCGA-3'
Protein context (NP_000531.2, residues 4107-4127): IQFLLSCSEA[Asp4117Val]ENEMINCEEF